The following is an entry in ClinVar:

NM_002474.3(MYH11):c.5027_5028del (p.Lys1676fs)

Genes: NDE1 (nudE neurodevelopment protein 1; plus strand), MYH11 (myosin heavy chain 11; minus strand). Cytogenetic location: 16p13.11.
Variant type: Deletion.
Coding change: c.5027_5028del on transcript NM_002474.3 (MANE Select); coding-DNA positions 5027 to 5028, 2 bases deleted (AA; older notation c.5027_5028delAA).
Protein change: p.Lys1676fs; shifts the reading frame from lysine 1676.
Molecular consequence: frameshift variant. On other transcripts: intron variant (2).
Genome position (GRCh38, 1-based): chr16:15,719,639-15,719,640, TT deleted on the plus strand (AA on the coding strand, the reverse complement: MYH11 is on the minus strand); deleting any 2 consecutive bases within chr16:15,719,639-15,719,641 gives the same sequence; the c. name uses the placement nearest the transcript's 3' end. VCF-style (leftmost placement, unchanged base first): chr16-15719638-CTT-C. GRCh37 (hg19) VCF-style: chr16-15813495-CTT-C.
Other names: c.5048_5049del, p.Lys1683fs (NM_001040113.2, NM_001040114.2); c.5027_5028del, p.Lys1676fs (NM_022844.3); c.948-4551_948-4550del (NM_001143979.2, NM_017668.3); short protein forms K1683fs, K1676fs.
Identifiers: ClinVar variation 574433 (VCV000574433.8), dbSNP rs1567692384, ClinGen allele CA891843808.

ClinVar aggregate classification (germline): Pathogenic. Review status: criteria provided, single submitter (1 of 4 stars). 2 submissions from 2 submitters: Pathogenic (1). 1 of the submissions does not count toward it. Last evaluated 2018-08-01.

Conditions:
Aortic aneurysm, familial thoracic 4 (AAT4). Also called: AORTIC ANEURYSM/AORTIC DISSECTION AND PATENT DUCTUS ARTERIOSUS. Identifiers: MedGen C1851504, MONDO:0007568, OMIM 132900.

Submissions (2):

Labcorp Genetics (formerly Invitae), Labcorp
Classification: Pathogenic for Aortic aneurysm, familial thoracic 4. Last evaluated: 2018-08-01. Review status: criteria provided, single submitter. Criteria: Invitae Variant Classification Sherloc (09022015). Collection method: clinical testing. Allele origin: germline.
Comment: This sequence change creates a premature translational stop signal (p.Lys1683Argfs*3) in the MYH11 gene. It is expected to result in an absent or disrupted protein product. This variant is not present in population databases (ExAC no frequency). This variant has not been reported in the literature in individuals with MYH11-related disease. Loss-of-function variants in MYH11 are known to be pathogenic (PMID: 25407000, 29575632). For these reasons, this variant has been classified as Pathogenic.

Biochemical Molecular Genetic Laboratory, King Abdulaziz Medical City
Classification: Pathogenic for Aortic aneurysm, familial thoracic 4. Last evaluated: 2020-02-05. Review status: no assertion criteria provided. Collection method: clinical testing. Allele origin: germline. Affected: yes. Not counted in ClinVar's aggregate classification.

Literature cited by the submitters: PubMed 25407000 (cited by Labcorp Genetics (formerly Invitae), Labcorp); PubMed 29575632 (cited by Labcorp Genetics (formerly Invitae), Labcorp).